The following is an entry in ClinVar:

ClinVar aggregate classification (germline): Conflicting classifications of pathogenicity. Review status: criteria provided, conflicting classifications (1 of 4 stars). 6 submissions from 6 submitters: Uncertain significance (3); Likely benign (2). 1 of the submissions does not count toward it. Last evaluated 2025-11-01.

Conditions:
MPDZ-related disorder. Also called: MPDZ-related condition.
Inborn genetic diseases. Identifiers: MedGen C0950123, MeSH D030342.
Hydrocephalus, nonsyndromic, autosomal recessive 2. Also called: Hydrocephalus, congenital, 2, with or without brain or eye anomalies. Identifiers: Orphanet 2185, MedGen C3554691, MONDO:0014085, OMIM 615219.

Allele frequency attached by ClinVar (database versions not stated): gnomAD exomes 0.00012; ExAC 0.00016; 1000 Genomes Project 0.00060; gnomAD 0.00060 and 0.00066; 1000 Genomes Project 30x 0.00062; ESP Exome Variant Server 0.00076; TOPMed 0.00079.
gnomAD v4.1: 163 of 1,575,794 alleles (0.01%); highest among the groups gnomAD compares: African/African-American, 0.2%; no homozygotes.

Submissions (6):

Labcorp Genetics (formerly Invitae), Labcorp
Classification: Likely benign. Last evaluated: 2025-11-01. Review status: criteria provided, single submitter. Criteria: Invitae Variant Classification Sherloc (09022015). Collection method: clinical testing. Allele origin: germline.

Blueprint Genetics
Classification: Uncertain significance. Last evaluated: 2024-03-05. Review status: criteria provided, single submitter. Criteria: ACMG Guidelines, 2015. Collection method: clinical testing. Allele origin: germline.

GeneDx
Classification: Uncertain significance. Last evaluated: 2022-10-16. Review status: criteria provided, single submitter. Criteria: GeneDx Variant Classification Process June 2021. Collection method: clinical testing. Allele origin: germline. Affected: yes.
Comment: In silico analysis supports that this missense variant does not alter protein structure/function; Has not been previously published as pathogenic or benign to our knowledge

Revvity Omics, Revvity
Classification: Uncertain significance for Hydrocephalus, nonsyndromic, autosomal recessive 2. Last evaluated: 2022-01-11. Review status: criteria provided, single submitter. Criteria: ACMG Guidelines, 2015. Collection method: clinical testing. Allele origin: germline.

Ambry Genetics
Classification: Likely benign for Inborn genetic diseases. Last evaluated: 2021-11-15. Review status: criteria provided, single submitter. Criteria: Ambry Variant Classification Scheme 2023. Collection method: clinical testing. Allele origin: germline.

PreventionGenetics, part of Exact Sciences
Classification: Likely benign for MPDZ-related condition. Last evaluated: 2024-03-21. Review status: no assertion criteria provided. Collection method: clinical testing. Allele origin: germline. Not counted in ClinVar's aggregate classification.
Comment: This variant is classified as likely benign based on ACMG/AMP sequence variant interpretation guidelines (Richards et al. 2015 PMID: 25741868, with internal and published modifications).

NM_001378778.1(MPDZ):c.3602C>G (p.Thr1201Ser)

Gene: MPDZ (multiple PDZ domain crumbs cell polarity complex component; minus strand). Cytogenetic location: 9p23.
Variant type: single nucleotide variant.
Coding change: c.3602C>G on transcript NM_001378778.1 (MANE Select); coding-DNA position 3602, C replaced by G.
Protein change: p.Thr1201Ser; replaces threonine 1201 with serine.
Molecular consequence: missense variant.
Genome position (GRCh38, 1-based): chr9:13,150,539, G>C on the plus strand (C>G on the coding strand, the complement: MPDZ is on the minus strand). VCF-style: chr9-13150539-G-C. GRCh37 (hg19) VCF-style: chr9-13150538-G-C.
Other names: c.3602C>G (NM_003829.3); c.3602C>G, p.Thr1201Ser (NM_001261406.2, NM_001261407.2, NM_001330637.2 and 13 more transcripts); c.3404C>G, p.Thr1135Ser (NM_001375427.1); short protein forms T1135S, T1201S.
Identifiers: ClinVar variation 1572220 (VCV001572220.15), dbSNP rs184213204, ClinGen allele CA4987068.